The following is an entry in ClinVar:

NM_001040716.2(PC):c.*13C>T

Gene: PC (pyruvate carboxylase; minus strand). Cytogenetic location: 11q13.2.
Variant type: single nucleotide variant.
Coding change: c.*13C>T on transcript NM_001040716.2 (MANE Select); 13 bases downstream of the stop codon, C replaced by T.
Molecular consequence: 3 prime UTR variant.
Genome position (GRCh38, 1-based): chr11:66,848,886, G>A on the plus strand (C>T on the coding strand, the complement: PC is on the minus strand). VCF-style: chr11-66848886-G-A. GRCh37 (hg19) VCF-style: chr11-66616357-G-A.
Other names: c.*13C>T (NM_000920.4, NM_022172.3, NM_001040716.1).
Identifiers: ClinVar variation 1290864 (VCV001290864.4), dbSNP rs58032722, ClinGen allele CA6130760.

ClinVar aggregate classification (germline): Benign. Review status: criteria provided, single submitter (1 of 4 stars). 2 submissions from 2 submitters: Benign (1). 1 of the submissions does not count toward it. Last evaluated 2015-03-03.

Conditions:
PC-related disorder. Also called: PC-related condition.

Allele frequency attached by ClinVar (database versions not stated): gnomAD exomes 0.00044; ExAC 0.00053; gnomAD 0.00169 and 0.00173; TOPMed 0.00189; ESP Exome Variant Server 0.00192; 1000 Genomes Project 0.00280; 1000 Genomes Project 30x 0.00297.

Submissions (2):

GeneDx
Classification: Benign. Last evaluated: 2015-03-03. Review status: criteria provided, single submitter. Criteria: GeneDx Variant Classification Process June 2021. Collection method: clinical testing. Allele origin: germline. Affected: yes.

PreventionGenetics, part of Exact Sciences
Classification: Likely benign for PC-related condition. Last evaluated: 2021-09-10. Review status: no assertion criteria provided. Collection method: clinical testing. Allele origin: germline. Not counted in ClinVar's aggregate classification.
Comment: This variant is classified as likely benign based on ACMG/AMP sequence variant interpretation guidelines (Richards et al. 2015 PMID: 25741868, with internal and published modifications).